The following is an entry in ClinVar:

ClinVar aggregate classification (germline): Uncertain significance (1 of 4 stars; one submission).

Submission:

GeneDx
Classification: Uncertain significance. Last evaluated: 2024-07-04. Review status: criteria provided, single submitter. Criteria: GeneDx Variant Classification Process June 2021. Collection method: clinical testing. Allele origin: germline. Affected: yes.
Comment: Not observed at significant frequency in large population cohorts (gnomAD); In silico analysis indicates that this missense variant does not alter protein structure/function; Has not been previously published as pathogenic or benign to our knowledge

NM_000222.3(KIT):c.1357T>C (p.Ser453Pro)

Gene: KIT (KIT proto-oncogene, receptor tyrosine kinase; plus strand). Cytogenetic location: 4q12.
Variant type: single nucleotide variant.
Coding change: c.1357T>C on transcript NM_000222.3 (MANE Select); coding-DNA position 1357, T replaced by C.
Protein change: p.Ser453Pro; replaces serine 453 with proline.
Molecular consequence: missense variant.
Genome position (GRCh38, 1-based): chr4:54,725,867, T>C. VCF-style: chr4-54725867-T-C. GRCh37 (hg19) VCF-style: chr4-55592033-T-C.
Other names: c.1357T>C, p.Ser453Pro (NM_001093772.2, NM_001385285.1, NM_001385286.1); c.1360T>C, p.Ser454Pro (NM_001385284.1, NM_001385288.1, NM_001385290.1 and 1 more transcripts); short protein forms S453P, S454P.
Identifiers: ClinVar variation 3393850 (VCV003393850.1).
Genomic context (GRCh38, chr4:54,725,867, plus strand): 5'-TTTATTTATTTTCCTAGAGTAAGCCAGGGCTTTTGTTTTCTTCCCTTTAGATGCTCTGCT[T>C]CTGTACTGCCAGTGGATGTGCAGACACTAAACTCATCTGGGCCACCGTTTGGAAAGCTAG-3'
Protein context (NP_000213.1, residues 443-463): CPGTEQRCSA[Ser453Pro]VLPVDVQTLN